The following is an entry in ClinVar:

ClinVar aggregate classification (germline): Uncertain significance. Review status: criteria provided, multiple submitters, no conflicts (2 of 4 stars). 3 submissions from 3 submitters: Uncertain significance (3). Last evaluated 2025-03-18.

Conditions:
Hereditary cancer-predisposing syndrome. Also called: Neoplastic Syndromes, Hereditary; Tumor predisposition; Hereditary Cancer Syndrome; Hereditary neoplastic syndrome. Identifiers: Orphanet 140162, MedGen C0027672, MeSH D009386, MONDO:0015356.
Familial cancer of breast. Also called: BREAST CANCER, FAMILIAL; Hereditary breast cancer; hereditary breast carcinoma. Identifiers: Orphanet 227535, MedGen C0346153, MONDO:0016419, OMIM 114480. Disease mechanism: loss of function.

Submissions (3):

Labcorp Genetics (formerly Invitae), Labcorp
Classification: Uncertain significance for Familial cancer of breast. Last evaluated: 2025-03-18. Review status: criteria provided, single submitter. Criteria: Invitae Variant Classification Sherloc (09022015). Collection method: clinical testing. Allele origin: germline.
Comment: This sequence change replaces aspartic acid, which is acidic and polar, with valine, which is neutral and non-polar, at codon 571 of the PALB2 protein (p.Asp571Val). This variant is not present in population databases (gnomAD no frequency). This variant has not been reported in the literature in individuals affected with PALB2-related conditions. ClinVar contains an entry for this variant (Variation ID: 819885). Invitae Evidence Modeling of protein sequence and biophysical properties (such as structural, functional, and spatial information, amino acid conservation, physicochemical variation, residue mobility, and thermodynamic stability) has been performed for this missense variant. However, the output from this modeling did not meet the statistical confidence thresholds required to predict the impact of this variant on PALB2 protein function. In summary, the available evidence is currently insufficient to determine the role of this variant in disease. Therefore, it has been classified as a Variant of Uncertain Significance.

Ambry Genetics
Classification: Uncertain significance for Hereditary cancer-predisposing syndrome. Last evaluated: 2024-10-13. Review status: criteria provided, single submitter. Criteria: Ambry Variant Classification Scheme 2023. Collection method: clinical testing. Allele origin: germline.
Comment: The p.D571V variant (also known as c.1712A>T), located in coding exon 5 of the PALB2 gene, results from an A to T substitution at nucleotide position 1712. The aspartic acid at codon 571 is replaced by valine, an amino acid with highly dissimilar properties. This amino acid position is not well conserved in available vertebrate species. In addition, this alteration is predicted to be tolerated by in silico analysis. Since supporting evidence is limited at this time, the clinical significance of this alteration remains unclear.

Baylor Genetics
Classification: Uncertain significance for Familial cancer of breast. Last evaluated: 2023-05-25. Review status: criteria provided, single submitter. Criteria: ACMG Guidelines, 2015. Collection method: clinical testing. Allele origin: unknown.

NM_024675.4(PALB2):c.1712A>T (p.Asp571Val)

Gene: PALB2 (partner and localizer of BRCA2; minus strand). Cytogenetic location: 16p12.2.
Variant type: single nucleotide variant.
Coding change: c.1712A>T on transcript NM_024675.4 (MANE Select); coding-DNA position 1712, A replaced by T.
Protein change: p.Asp571Val; replaces aspartic acid 571 with valine.
Molecular consequence: missense variant.
Genome position (GRCh38, 1-based): chr16:23,630,442, T>A on the plus strand (A>T on the coding strand, the complement: PALB2 is on the minus strand). VCF-style: chr16-23630442-T-A. GRCh37 (hg19) VCF-style: chr16-23641763-T-A.
Other names: short protein forms D571V.
Identifiers: ClinVar variation 819885 (VCV000819885.9), dbSNP rs1597091418, ClinGen allele CA395128402.